The following is an entry in ClinVar:

ClinVar aggregate classification (germline): Uncertain significance (1 of 4 stars; one submission).

Submission:

Labcorp Genetics (formerly Invitae), Labcorp
Classification: Uncertain significance. Last evaluated: 2025-09-22. Review status: criteria provided, single submitter. Criteria: Invitae Variant Classification Sherloc (09022015). Collection method: clinical testing. Allele origin: germline.
Comment: This sequence change creates a premature translational stop signal (p.Leu77Cysfs*26) in the ATP5D gene. It is expected to result in an absent or disrupted protein product. However, the current clinical and genetic evidence is not sufficient to establish whether loss-of-function variants in ATP5D cause disease. This variant is not present in population databases (gnomAD no frequency). This variant has not been reported in the literature in individuals affected with ATP5D-related conditions. In summary, the available evidence is currently insufficient to determine the role of this variant in disease. Therefore, it has been classified as a Variant of Uncertain Significance.

NM_001687.5(ATP5F1D):c.221_228dup (p.Leu77fs)

Gene: ATP5F1D (ATP synthase F1 subunit delta; plus strand). Cytogenetic location: 19p13.3.
Variant type: Duplication.
Coding change: c.221_228dup on transcript NM_001687.5 (MANE Select); coding-DNA positions 221 to 228, 8 bases duplicated (TGCCCACG; older notation c.221_228dupTGCCCACG).
Protein change: p.Leu77fs; shifts the reading frame from leucine 77.
Molecular consequence: frameshift variant.
Genome position (GRCh38, 1-based): chr19:1,242,535-1,242,542, TGCCCACG duplicated; duplicating any 8 consecutive bases within chr19:1,242,528-1,242,542 gives the same sequence; the c. name uses the placement nearest the transcript's 3' end. VCF-style (leftmost placement, unchanged base first): chr19-1242527-G-GGCCCACGT. GRCh37 (hg19) VCF-style: chr19-1242526-G-GGCCCACGT.
Other names: c.221_228dup, p.Leu77fs (NM_001001975.2); short protein forms L77fs.
Identifiers: ClinVar variation 4763288 (VCV004763288.1).
Genomic context (GRCh38, chr19:1,242,527, plus strand): 5'-CGGTGCCAACGTCCGGCAGGTGGACGTGCCCACGCTGACCGGAGCCTTCGGCATCCTGGC[G>GGCCCACGT]GCCCACGTGCCCACGCTGCAGGTCCTGCGGCCGGGGCTGGTCGTGGTGCATGCAGAGGAC-3'